The following is an entry in ClinVar:

NM_024496.4(IRF2BPL):c.313C>T (p.Gln105Ter)

Genes: IRF2BPL (interferon regulatory factor 2 binding protein like; minus strand), LOC107984638 (uncharacterized LOC107984638; plus strand). Cytogenetic location: 14q24.3.
Variant type: single nucleotide variant.
Coding change: c.313C>T on transcript NM_024496.4 (MANE Select); coding-DNA position 313, C replaced by T.
Protein change: p.Gln105Ter; replaces glutamine 105 with a stop codon.
Molecular consequence: nonsense.
Genome position (GRCh38, 1-based): chr14:77,027,480, G>A on the plus strand (C>T on the coding strand, the complement: IRF2BPL is on the minus strand). VCF-style: chr14-77027480-G-A. GRCh37 (hg19) VCF-style: chr14-77493823-G-A.
Other names: short protein forms Q105*.
Identifiers: ClinVar variation 1029897 (VCV001029897.1), dbSNP rs1885183172, ClinGen allele CA390500259.
Genomic context (GRCh38, chr14:77,027,480, plus strand): 5'-GCTGCTGCTGCTGCTGCTGCTGCTGCTGCTGTTGCTGCTGCTGCTGCTGCTGTTGCTGTT[G>A]CTGTTGCGCGGCGGCGGCGGCGGCCGCCGCTGCTGCCGCCGCCGCCGCCGCTTCCTTAGC-3'

ClinVar aggregate classification (germline): Uncertain significance (1 of 4 stars; one submission).

Conditions:
Neurodevelopmental disorder with regression, abnormal movements, loss of speech, and seizures. Identifiers: Orphanet 597623, MedGen C4748127, MONDO:0060759, OMIM 618088.

Submission:

Baylor Genetics
Classification: Uncertain significance for Neurodevelopmental disorder with regression, abnormal movements, loss of speech, and seizures. Last evaluated: 2019-03-07. Review status: criteria provided, single submitter. Criteria: ACMG Guidelines, 2015. Collection method: clinical testing. Allele origin: maternal. Affected: yes.
Comment: This variant was determined to be of uncertain significance according to ACMG Guidelines, 2015 [PMID:25741868].